The following is an entry in ClinVar:

ClinVar aggregate classification (germline): Pathogenic (1 of 4 stars; one submission).

Submission:

GeneDx
Classification: Pathogenic. Last evaluated: 2016-09-16. Review status: criteria provided, single submitter. Criteria: GeneDx Variant Classification (06012015). Collection method: clinical testing. Allele origin: germline. Affected: yes.
Comment: The W152X pathogenic variant in the FOXC1 gene has been reported previously in association with Axenfeld-Rieger syndrome (Cella et al., 2006). This variant is predicted to cause loss of normal protein function through protein truncation. The W152X variant was not observed in approximately 6500 individuals of European and African American ancestry in the NHLBI Exome Sequencing Project, indicating it is not a common benign variant in these populations. We interpret W152X as a pathogenic variant.

NM_001453.3(FOXC1):c.456G>A (p.Trp152Ter)

Gene: FOXC1 (forkhead box C1; plus strand). Cytogenetic location: 6p25.3.
Variant type: single nucleotide variant.
Coding change: c.456G>A on transcript NM_001453.3 (MANE Select); coding-DNA position 456, G replaced by A.
Protein change: p.Trp152Ter; replaces tryptophan 152 with a stop codon.
Molecular consequence: nonsense.
Genome position (GRCh38, 1-based): chr6:1,610,901, G>A. VCF-style: chr6-1610901-G-A. GRCh37 (hg19) VCF-style: chr6-1611136-G-A.
Other names: short protein forms W152*.
Identifiers: ClinVar variation 280066 (VCV000280066.2), dbSNP rs886041355, ClinGen allele CA10603005.
Genomic context (GRCh38, chr6:1,610,901, plus strand): 5'-CAACGAGTGCTTCGTCAAGGTGCCGCGCGACGACAAGAAGCCGGGCAAGGGCAGCTACTG[G>A]ACGCTGGACCCGGACTCCTACAACATGTTCGAGAACGGCAGCTTCCTGCGGCGGCGGCGG-3'